The following is an entry in ClinVar:

ClinVar aggregate classification (germline): Uncertain significance. Review status: criteria provided, multiple submitters, no conflicts (2 of 4 stars). 3 submissions from 3 submitters: Uncertain significance (3). Last evaluated 2026-07-06.

Conditions:
Lynch syndrome 5 (LYNCH5). Also called: Hereditary non-polyposis colorectal cancer, type 5; Colorectal cancer, hereditary nonpolyposis, type 5. Identifiers: Orphanet 144, MedGen C1833477, MONDO:0013710, OMIM 614350. Disease mechanism: loss of function.
Hereditary cancer-predisposing syndrome. Also called: Neoplastic Syndromes, Hereditary; Hereditary Cancer Syndrome; Tumor predisposition; Hereditary neoplastic syndrome. Identifiers: Orphanet 140162, MedGen C0027672, MeSH D009386, MONDO:0015356.

gnomAD v4.1: 1 of 1,614,210 alleles (0.000062%); highest among the groups gnomAD compares: South Asian, 0.0011%; no homozygotes.

Submissions (3):

Ambry Genetics
Classification: Uncertain significance for Hereditary cancer-predisposing syndrome. Last evaluated: 2026-07-06. Review status: criteria provided, single submitter. Criteria: Ambry Variant Classification Scheme 2023. Collection method: clinical testing. Allele origin: germline.
Comment: The p.S525T variant (also known as c.1574G>C), located in coding exon 4 of the MSH6 gene, results from a G to C substitution at nucleotide position 1574. The serine at codon 525 is replaced by threonine, an amino acid with similar properties. This amino acid position is conserved. In addition, the in silico prediction for this alteration is inconclusive. Based on the available evidence, the clinical significance of this variant remains unclear.

Color Diagnostics, LLC DBA Color Health
Classification: Uncertain significance for Hereditary cancer-predisposing syndrome. Last evaluated: 2024-03-06. Review status: criteria provided, single submitter. Criteria: ACMG Guidelines, 2015. Collection method: clinical testing. Allele origin: germline.
Comment: This missense variant replaces serine with threonine at codon 525 of the MSH6 protein. Computational prediction is inconclusive regarding the impact of this variant on protein structure and function (internally defined REVEL score threshold 0.5 < inconclusive < 0.7, PMID: 27666373). To our knowledge, functional studies have not been reported for this variant. This variant has not been reported in individuals affected with hereditary cancer in the literature. This variant has been identified in 1/251322 chromosomes in the general population by the Genome Aggregation Database (gnomAD). The available evidence is insufficient to determine the role of this variant in disease conclusively. Therefore, this variant is classified as a Variant of Uncertain Significance.

Neuberg Centre For Genomic Medicine, NCGM
Classification: Uncertain significance for Lynch syndrome 5. Last evaluated: 2023-06-22. Review status: criteria provided, single submitter. Criteria: ACMG Guidelines, 2015. Collection method: clinical testing. Allele origin: germline. Inheritance: Autosomal dominant inheritance. Affected: yes.
Comment: The observed missense variant c.1574G>C(p.Ser525Thr) in the MSH6 gene has not been reported previously as a pathogenic variant nor as a benign variant, to our knowledge. This variant is reported with the allele frequency 0.0004% in the gnomAD Exomes. This variant has been reported to the ClinVar database as Uncertain Significance. However, no details are available for independent assessment. The amino acid Ser at position 525 is changed to a Thr changing protein sequence and it might alter its composition and physico- chemical properties. Computational evidence (Polyphen - Benign, SIFT - Tolerated and MutationTaster - Polymorphism) predicts conflicting evidence on protein structure and function for this variant. The residue is conserved by GERP++ and PhyloP across 100 vertebrates. For these reasons, this variant has been classified as Uncertain Significance.

NM_000179.3(MSH6):c.1574G>C (p.Ser525Thr)

Gene: MSH6 (mutS homolog 6; plus strand). Cytogenetic location: 2p16.3.
Variant type: single nucleotide variant.
Coding change: c.1574G>C on transcript NM_000179.3 (MANE Select); coding-DNA position 1574, G replaced by C.
Protein change: p.Ser525Thr; replaces serine 525 with threonine.
Molecular consequence: missense variant.
Genome position (GRCh38, 1-based): chr2:47,799,557, G>C. VCF-style: chr2-47799557-G-C. GRCh37 (hg19) VCF-style: chr2-48026696-G-C.
Other names: c.1184G>C, p.Ser395Thr (NM_001281492.2); c.668G>C, p.Ser223Thr (NM_001281493.2, NM_001281494.2); short protein forms S223T, S525T, S395T.
Identifiers: ClinVar variation 926655 (VCV000926655.6), dbSNP rs765387680, ClinGen allele CA346746817.